The following is an entry in ClinVar:

NM_001845.6(COL4A1):c.3977G>T (p.Gly1326Val)

Gene: COL4A1 (collagen type IV alpha 1 chain; minus strand). Cytogenetic location: 13q34.
Variant type: single nucleotide variant.
Coding change: c.3977G>T on transcript NM_001845.6 (MANE Select); coding-DNA position 3977, G replaced by T.
Protein change: p.Gly1326Val; replaces glycine 1326 with valine.
Molecular consequence: missense variant.
Genome position (GRCh38, 1-based): chr13:110,166,276, C>A on the plus strand (G>T on the coding strand, the complement: COL4A1 is on the minus strand). VCF-style: chr13-110166276-C-A. GRCh37 (hg19) VCF-style: chr13-110818623-C-A.
Other names: short protein forms G1326V.
Identifiers: ClinVar variation 280525 (VCV000280525.2), dbSNP rs886041714, ClinGen allele CA10603335.

ClinVar aggregate classification (germline): Pathogenic (1 of 4 stars; one submission).

Submission:

GeneDx
Classification: Pathogenic. Last evaluated: 2016-04-26. Review status: criteria provided, single submitter. Criteria: GeneDx Variant Classification (06012015). Collection method: clinical testing. Allele origin: germline. Affected: yes.
Comment: The G1326V variant is a conservative amino acid substitution, which is not likely to impact secondary protein structure as these residues share similar properties. This substitution occurs at a position that is conserved across species, affecting the Glycine residue of the triple-helical region containing Gly-X-Y repeats. In silico analysis predicts this variant is probably damaging to the protein structure/function. As an alternate mechanism, splice predictor models indicate that this sequence change may create a new cryptic splice donor site upstream of the natural donor site in exon 45, which may cause abnormal gene splicing. A missense variant at the same residue, G1326R, has been previously reported as a de novo event in a child with schizencephaly, quadriplegia, epilepsy, and intellectual disability (Yoneda et al., 2013). We interpret G1326V as a pathogenic variant